The following is an entry in ClinVar:

NM_002693.3(POLG):c.55G>C (p.Val19Leu)

Genes: POLG (DNA polymerase gamma, catalytic subunit; minus strand), POLGARF (POLG alternative reading frame; minus strand). Cytogenetic location: 15q26.1.
Variant type: single nucleotide variant.
Coding change: c.55G>C on transcript NM_002693.3 (MANE Select); coding-DNA position 55, G replaced by C.
Protein change: p.Val19Leu; replaces valine 19 with leucine.
Molecular consequence: missense variant.
Genome position (GRCh38, 1-based): chr15:89,333,700, C>G on the plus strand (G>C on the coding strand, the complement: POLG is on the minus strand). VCF-style: chr15-89333700-C-G. GRCh37 (hg19) VCF-style: chr15-89876931-C-G.
Other names: c.110G>C, p.Gly37Ala (NM_001430120.1); c.55G>C, p.Val19Leu (NM_001126131.2); short protein forms G37A, V19L.
Identifiers: ClinVar variation 3618474 (VCV003618474.2).
Genomic context (GRCh38, chr15:89,333,700, plus strand): 5'-GCCCGTCGCTGGGGTCGGACGCGGGGACGGAGCTGGAGACCCAGCGCCCCGGAGCTGGAA[C>G]CGGCCCTGGCCCGACGGTGGCGCCGGCCACCTTCCTCCAGAGCAGGCGGCTCATGGTTGG-3'
Protein context (NP_002684.1, residues 9-29): VAGATVGPGP[Val19Leu]PAPGRWVSSS

ClinVar aggregate classification (germline): Uncertain significance (1 of 4 stars; one submission).

Conditions:
Progressive sclerosing poliodystrophy (MTDPS4A). Also called: ALPERS PROGRESSIVE INFANTILE POLIODYSTROPHY; NEURONAL DEGENERATION OF CHILDHOOD WITH LIVER DISEASE, PROGRESSIVE; Alpers Syndrome; ALPERS DIFFUSE DEGENERATION OF CEREBRAL GRAY MATTER WITH HEPATIC CIRRHOSIS; Alpers-Huttenlocher Syndrome; Mitochondrial DNA depletion syndrome 4A (Alpers type). Identifiers: Orphanet 726, MedGen C0205710, MONDO:0008758, OMIM 203700.

Submission:

Labcorp Genetics (formerly Invitae), Labcorp
Classification: Uncertain significance for Progressive sclerosing poliodystrophy. Last evaluated: 2024-04-03. Review status: criteria provided, single submitter. Criteria: Invitae Variant Classification Sherloc (09022015). Collection method: clinical testing. Allele origin: germline.
Comment: This sequence change replaces valine, which is neutral and non-polar, with leucine, which is neutral and non-polar, at codon 19 of the POLG protein (p.Val19Leu). This variant is not present in population databases (gnomAD no frequency). This variant has not been reported in the literature in individuals affected with POLG-related conditions. Advanced modeling of protein sequence and biophysical properties (such as structural, functional, and spatial information, amino acid conservation, physicochemical variation, residue mobility, and thermodynamic stability) performed at Invitae indicates that this missense variant is not expected to disrupt POLG protein function with a negative predictive value of 95%. In summary, the available evidence is currently insufficient to determine the role of this variant in disease. Therefore, it has been classified as a Variant of Uncertain Significance.